The following is an entry in ClinVar:

NM_000393.5(COL5A2):c.3277G>A (p.Ala1093Thr)

Gene: COL5A2 (collagen type V alpha 2 chain; minus strand). Cytogenetic location: 2q32.2.
Variant type: single nucleotide variant.
Coding change: c.3277G>A on transcript NM_000393.5 (MANE Select); coding-DNA position 3277, G replaced by A.
Protein change: p.Ala1093Thr; replaces alanine 1093 with threonine.
Molecular consequence: missense variant.
Genome position (GRCh38, 1-based): chr2:189,045,832, C>T on the plus strand (G>A on the coding strand, the complement: COL5A2 is on the minus strand). VCF-style: chr2-189045832-C-T. GRCh37 (hg19) VCF-style: chr2-189910558-C-T.
Other names: short protein forms A1093T.
Identifiers: ClinVar variation 4526296 (VCV004526296.1).
Genomic context (GRCh38, chr2:189,045,832, plus strand): 5'-GTCAGTGTGAAATTGACTCCCTCCTTACCGGATCTCCTCTTTGTCCTGCATCTCCTGGAG[C>T]ACCCACAGGGCCAGGAGTTCCAGGGGCACCCTGAGAGCCTGGCAGACCTGCAGGCCCAGG-3'
Protein context (NP_000384.2, residues 1083-1103): GAPGTPGPVG[Ala1093Thr]PGDAGQRGDP

ClinVar aggregate classification (germline): Uncertain significance (1 of 4 stars; one submission).

gnomAD v4.1: 2 of 1,614,158 alleles (0.00012%); highest among the groups gnomAD compares: Non-Finnish European, 0.00017%; no homozygotes.

Submission:

Women's Health and Genetics/Laboratory Corporation of America, LabCorp
Classification: Uncertain significance. Last evaluated: 2025-07-22. Review status: criteria provided, single submitter. Criteria: LabCorp Variant Classification Summary - May 2015. Collection method: clinical testing. Allele origin: germline.
Comment: Variant summary: COL5A2 c.3277G>A (p.Ala1093Thr) results in a non-conservative amino acid change in the encoded protein sequence. Algorithms developed to predict the effect of missense changes on protein structure and function are either unavailable or do not agree on the potential impact of this missense change. The variant was absent in 251386 control chromosomes. The available data on variant occurrences in the general population are insufficient to allow any conclusion about variant significance. To our knowledge, no occurrence of c.3277G>A in individuals affected with Ehlers-Danlos syndrome, classic type, 2 and no experimental evidence demonstrating its impact on protein function have been reported. No submitters have cited clinical-significance assessments for this variant to ClinVar. Based on the evidence outlined above, the variant was classified as uncertain significance.